The following is an entry in ClinVar:

ClinVar aggregate classification (germline): Benign/Likely benign. Review status: criteria provided, multiple submitters, no conflicts (2 of 4 stars). 2 submissions from 2 submitters: Benign (1); Likely benign (1). Last evaluated 2025-03-24.

Conditions:
Peutz-Jeghers syndrome (PJS). Also called: POLYPOSIS, HAMARTOMATOUS INTESTINAL; POLYPS-AND-SPOTS SYNDROME; Peutz-Jeghers polyposis; Periorificial lentiginosis syndrome. Identifiers: Orphanet 2869, MedGen C0031269, MeSH D010580, MONDO:0008280, OMIM 175200.

Submissions (2):

Myriad Genetics, Inc.
Classification: Benign for Peutz-Jeghers syndrome. Last evaluated: 2025-03-24. Review status: criteria provided, single submitter. Criteria: Myriad Autosomal Dominant, Autosomal Recessive and X-Linked Classification Criteria (2023). Collection method: clinical testing. Allele origin: unknown.
Comment: This variant is considered benign. This variant is a silent/synonymous amino acid change and it is not expected to impact splicing.

Labcorp Genetics (formerly Invitae), Labcorp
Classification: Likely benign for Peutz-Jeghers syndrome. Last evaluated: 2022-09-13. Review status: criteria provided, single submitter. Criteria: Invitae Variant Classification Sherloc (09022015). Collection method: clinical testing. Allele origin: germline.

NM_000455.5(STK11):c.24G>A (p.Gln8=)

Gene: STK11 (serine/threonine kinase 11; plus strand). Cytogenetic location: 19p13.3.
Variant type: single nucleotide variant.
Coding change: c.24G>A on transcript NM_000455.5 (MANE Select); coding-DNA position 24, G replaced by A.
Protein change: p.Gln8=; no amino-acid change (glutamine 8 retained).
Molecular consequence: synonymous variant. On other transcripts: non-coding transcript variant (1).
Genome position (GRCh38, 1-based): chr19:1,206,937, G>A. VCF-style: chr19-1206937-G-A. GRCh37 (hg19) VCF-style: chr19-1206936-G-A.
Other names: c.24G>A, p.Gln8= (NM_001407255.1).
Identifiers: ClinVar variation 2028719 (VCV002028719.5), dbSNP rs1379630288, ClinGen allele CA504706072.
Genomic context (GRCh38, chr19:1,206,937, plus strand): 5'-AGGGCTGGCGGCGGGACTCCAGGACCCTGGGTCCAGCATGGAGGTGGTGGACCCGCAGCA[G>A]CTGGGCATGTTCACGGAGGGCGAGCTGATGTCGGTGGGTATGGACACGTTCATCCACCGC-3'
Protein context (NP_000446.1, residues 1-18): MEVVDPQ[Gln8=]LGMFTEGELM